The following is an entry in ClinVar:

NM_000287.4(PEX6):c.2094+2T>A

Gene: PEX6 (peroxisomal biogenesis factor 6; minus strand). Cytogenetic location: 6p21.1.
Variant type: single nucleotide variant.
Coding change: c.2094+2T>A on transcript NM_000287.4 (MANE Select); the canonical splice donor site of the intron after coding-DNA position 2094, T replaced by A.
Molecular consequence: splice donor variant. On other transcripts: non-coding transcript variant (1).
Genome position (GRCh38, 1-based): chr6:42,966,523, A>T on the plus strand (T>A on the coding strand, the complement: PEX6 is on the minus strand). VCF-style: chr6-42966523-A-T. GRCh37 (hg19) VCF-style: chr6-42934261-A-T.
Other names: c.1830+2T>A (NM_001316313.2).
Identifiers: ClinVar variation 4811894 (VCV004811894.1).

ClinVar aggregate classification (germline): Pathogenic (1 of 4 stars; one submission).

Conditions:
Peroxisome biogenesis disorder. Identifiers: Orphanet 79189, MedGen C1832200, MONDO:0019234. Disease mechanism: loss of function.

Submission:

Labcorp Genetics (formerly Invitae), Labcorp
Classification: Pathogenic for Peroxisome biogenesis disorder. Last evaluated: 2026-01-25. Review status: criteria provided, single submitter. Criteria: Invitae Variant Classification Sherloc (09022015). Collection method: clinical testing. Allele origin: germline.
Comment: This sequence change affects a donor splice site in intron 10 of the PEX6 gene. It is expected to disrupt RNA splicing. Variants that disrupt the donor or acceptor splice site typically lead to a loss of protein function (PMID: 16199547), and loss-of-function variants in PEX6 are known to be pathogenic (PMID: 10408779, 21031596, 31831025). This variant is not present in population databases (gnomAD no frequency). Disruption of this splice site has been observed in individual(s) with PEX6-related conditions (PMID: 11873320). In at least one individual the data is consistent with being in trans (on the opposite chromosome) from a pathogenic variant. Algorithms developed to predict the effect of sequence changes on RNA splicing suggest that this variant may disrupt the consensus splice site. For these reasons, this variant has been classified as Pathogenic.

Literature cited by the submitters: PubMed 16199547; PubMed 10408779; PubMed 21031596; PubMed 31831025; PubMed 11873320.